The following is an entry in ClinVar:

ClinVar aggregate classification (germline): Pathogenic (1 of 4 stars; one submission).

Conditions:
Duchenne muscular dystrophy (DMD). Also called: MUSCULAR DYSTROPHY, PSEUDOHYPERTROPHIC PROGRESSIVE, DUCHENNE TYPE; Duchenne Muscular Dystrophy (DMD). Identifiers: Orphanet 98896, MedGen C0013264, MONDO:0010679, OMIM 310200.

Submission:

Labcorp Genetics (formerly Invitae), Labcorp
Classification: Pathogenic for Duchenne muscular dystrophy. Last evaluated: 2025-02-19. Review status: criteria provided, single submitter. Criteria: Invitae Variant Classification Sherloc (09022015). Collection method: clinical testing. Allele origin: germline.
Comment: This variant results in the deletion of part of exon 22 (c.2804-536_2906del) of the DMD gene. It is expected to disrupt RNA splicing. Variants that disrupt the donor or acceptor splice site typically lead to a loss of protein function (PMID: 16199547), and loss-of-function variants in DMD are known to be pathogenic (PMID: 16770791, 25007885). This variant is not present in population databases (gnomAD no frequency). This variant has not been reported in the literature in individuals affected with DMD-related conditions. This variant disrupts a region of the DMD protein in which other variant(s) (p.Gln957Pro) have been determined to be pathogenic (internal data). This suggests that this is a clinically significant region of the protein, and that variants that disrupt it are likely to be disease-causing. For these reasons, this variant has been classified as Pathogenic.

Literature cited by the submitters: PubMed 16199547; PubMed 16770791; PubMed 25007885.

NM_004006.3(DMD):c.2804-536_2906del

Gene: DMD (dystrophin; minus strand). Cytogenetic location: Xp21.1.
Variant type: Deletion.
Coding change: c.2804-536_2906del on transcript NM_004006.3 (MANE Select); 536 bases into the intron before coding-DNA position 2804 through coding-DNA position 2906, 639 bases deleted.
Molecular consequence: splice acceptor variant.
Genome position (GRCh38, 1-based): chrX:32,472,207-32,472,845, 639 bases deleted. GRCh37 (hg19): chrX:32,490,325-32,490,963.
Other names: c.2780-536_2882del (NM_000109.4); c.2792-536_2894del (NM_004009.3); c.2435-536_2537del (NM_004010.3).
Identifiers: ClinVar variation 4713480 (VCV004713480.1).